The following is an entry in ClinVar:

ClinVar aggregate classification (germline): Conflicting classifications of pathogenicity. Review status: criteria provided, conflicting classifications (1 of 4 stars). 7 submissions from 7 submitters: Uncertain significance (6); Benign (1). Last evaluated 2025-08-01.

Conditions:
Inborn genetic diseases. Identifiers: MedGen C0950123, MeSH D030342.
CCDC88C-related disorder. Also called: CCDC88C-Related Disorders; CCDC88C-related condition.

Allele frequency attached by ClinVar (database versions not stated): gnomAD exomes 0.00022 and 0.00047; ExAC 0.00025; gnomAD 0.00026 and 0.00029; ESP Exome Variant Server 0.00041; TOPMed 0.00045.
gnomAD v4.1: 743 of 1,608,390 alleles (0.046%); highest among the groups gnomAD compares: Non-Finnish European, 0.058%; no homozygotes.

Submissions (7):

PreventionGenetics, part of Exact Sciences
Classification: Uncertain significance for CCDC88C-related condition. Last evaluated: 2025-08-01. Review status: criteria provided, single submitter. Criteria: ACMG Guidelines, 2015. Collection method: clinical testing. Allele origin: germline.
Comment: The CCDC88C c.322G>A variant is predicted to result in the amino acid substitution p.Gly108Ser. To our knowledge, this variant has not been reported in the literature. This variant is reported in 0.043% of alleles in individuals of European (Non-Finnish) descent in gnomAD. At this time, the clinical significance of this variant is uncertain due to the absence of conclusive functional and genetic evidence.

Blueprint Genetics
Classification: Uncertain significance. Last evaluated: 2024-09-20. Review status: criteria provided, single submitter. Criteria: ACMG Guidelines, 2015. Collection method: clinical testing. Allele origin: germline.

Labcorp Genetics (formerly Invitae), Labcorp
Classification: Uncertain significance. Last evaluated: 2024-09-05. Review status: criteria provided, single submitter. Criteria: Invitae Variant Classification Sherloc (09022015). Collection method: clinical testing. Allele origin: germline.
Comment: This sequence change replaces glycine, which is neutral and non-polar, with serine, which is neutral and polar, at codon 108 of the CCDC88C protein (p.Gly108Ser). This variant is present in population databases (rs61745604, gnomAD 0.04%). This variant has not been reported in the literature in individuals affected with CCDC88C-related conditions. ClinVar contains an entry for this variant (Variation ID: 158106). An algorithm developed to predict the effect of missense changes on protein structure and function (PolyPhen-2) suggests that this variant is likely to be disruptive. In summary, the available evidence is currently insufficient to determine the role of this variant in disease. Therefore, it has been classified as a Variant of Uncertain Significance.

GeneDx
Classification: Uncertain significance. Last evaluated: 2023-10-13. Review status: criteria provided, single submitter. Criteria: GeneDx Variant Classification Process June 2021. Collection method: clinical testing. Allele origin: germline. Affected: yes.
Comment: In silico analysis supports that this missense variant has a deleterious effect on protein structure/function; Has not been previously published as pathogenic or benign to our knowledge

Ambry Genetics
Classification: Uncertain significance for Inborn genetic diseases. Last evaluated: 2018-10-02. Review status: criteria provided, single submitter. Criteria: Ambry exome assertion method (8-5-2015). Collection method: clinical testing. Allele origin: germline. Affected: yes. Observed: 1 variant allele.

CeGaT Center for Human Genetics Tuebingen
Classification: Uncertain significance. Last evaluated: 2018-07-01. Review status: criteria provided, single submitter. Criteria: CeGaT Center For Human Genetics Tuebingen Variant Classification Criteria Version 2. Collection method: clinical testing. Allele origin: germline. Affected: yes. Observed: 1 variant allele.

Genetic Services Laboratory, University of Chicago
Classification: Benign. Last evaluated: 2013-04-08. Review status: criteria provided, single submitter. Criteria: ACMG Guidelines, 2007. Collection method: clinical testing. Allele origin: germline. Inheritance: Autosomal recessive inheritance.

NM_001080414.4(CCDC88C):c.322G>A (p.Gly108Ser)

Gene: CCDC88C (coiled-coil and HOOK domain protein 88C; minus strand). Cytogenetic location: 14q32.11.
Variant type: single nucleotide variant.
Coding change: c.322G>A on transcript NM_001080414.4 (MANE Select); coding-DNA position 322, G replaced by A.
Protein change: p.Gly108Ser; replaces glycine 108 with serine.
Molecular consequence: missense variant.
Genome position (GRCh38, 1-based): chr14:91,359,660, C>T on the plus strand (G>A on the coding strand, the complement: CCDC88C is on the minus strand). VCF-style: chr14-91359660-C-T. GRCh37 (hg19) VCF-style: chr14-91826004-C-T.
Other names: short protein forms G108S.
Identifiers: ClinVar variation 158106 (VCV000158106.56), dbSNP rs61745604, ClinGen allele CA171522.